The following is an entry in ClinVar:

ClinVar aggregate classification (germline): Benign/Likely benign. Review status: criteria provided, multiple submitters, no conflicts (2 of 4 stars). 7 submissions from 7 submitters: Benign (4); Likely benign (1). 2 of the submissions do not count toward it. Last evaluated 2026-02-02.

Conditions:
Inborn genetic diseases. Identifiers: MedGen C0950123, MeSH D030342.
Creatine transporter deficiency (CCDS1). Also called: Mental retardation , X-linked with seizures, short stature and midface hypoplasia; Mental retardation , X-linked, with creatine transport deficiency; X-linked creatine transporter deficiency; X-linked creatine deficiency syndrome; SLC6A8-Related Creatine Transporter Deficiency; CREATINE TRANSPORTER DEFECT. Identifiers: Orphanet 52503, MedGen C1845862, MONDO:0010305, OMIM 300352.

Allele frequency attached by ClinVar (database versions not stated): gnomAD exomes 0.00064 and 0.00145; ExAC 0.00177; 1000 Genomes Project 30x 0.00354; 1000 Genomes Project 0.00397; gnomAD 0.00454 and 0.00491; TOPMed 0.00499; ESP Exome Variant Server 0.00596.
gnomAD v4.1: 1,202 of 1,205,694 alleles (0.1%); highest among the groups gnomAD compares: African/African-American, 1.5%; 4 homozygotes.

Submissions (7):

Labcorp Genetics (formerly Invitae), Labcorp
Classification: Benign for Creatine transporter deficiency. Last evaluated: 2026-02-02. Review status: criteria provided, single submitter. Criteria: Invitae Variant Classification Sherloc (09022015). Collection method: clinical testing. Allele origin: germline.

Blueprint Genetics
Classification: Likely benign. Last evaluated: 2024-11-12. Review status: criteria provided, single submitter. Criteria: ACMG Guidelines, 2015. Collection method: clinical testing. Allele origin: germline.

Athena Diagnostics
Classification: Benign. Last evaluated: 2018-08-08. Review status: criteria provided, single submitter. Criteria: Athena Diagnostics Criteria. Collection method: clinical testing. Allele origin: germline.

Ambry Genetics
Classification: Benign for Inborn genetic diseases. Last evaluated: 2017-04-14. Review status: criteria provided, single submitter. Criteria: Ambry Variant Classification Scheme 2023. Collection method: clinical testing. Allele origin: germline.

GeneDx
Classification: Benign. Last evaluated: 2016-02-08. Review status: criteria provided, single submitter. Criteria: GeneDx Variant Classification (06012015). Collection method: clinical testing. Allele origin: germline. Affected: yes.
Comment: This variant is considered likely benign or benign based on one or more of the following criteria: it is a conservative change, it occurs at a poorly conserved position in the protein, it is predicted to be benign by multiple in silico algorithms, and/or has population frequency not consistent with disease.

Clinical Genetics DNA and cytogenetics Diagnostics Lab, Erasmus MC, Erasmus Medical Center
Classification: Benign. Review status: no assertion criteria provided. Collection method: clinical testing. Allele origin: germline. Affected: yes. Study: VKGL Data-share Consensus. Not counted in ClinVar's aggregate classification.

Genome Diagnostics Laboratory, University Medical Center Utrecht
Classification: Likely benign. Review status: no assertion criteria provided. Collection method: clinical testing. Allele origin: germline. Affected: yes. Study: VKGL Data-share Consensus. Not counted in ClinVar's aggregate classification.

Literature cited by the submitters: PubMed 20717164 (cited by Athena Diagnostics); PubMed 16738945 (cited by Athena Diagnostics).

NM_005629.4(SLC6A8):c.1496-5C>T

Gene: SLC6A8 (solute carrier family 6 member 8; plus strand). Cytogenetic location: Xq28.
Variant type: single nucleotide variant.
Coding change: c.1496-5C>T on transcript NM_005629.4 (MANE Select); 5 bases into the intron before coding-DNA position 1496, C replaced by T.
Molecular consequence: intron variant.
Genome position (GRCh38, 1-based): chrX:153,694,528, C>T. VCF-style: chrX-153694528-C-T. GRCh37 (hg19) VCF-style: chrX-152959983-C-T.
Other names: c.1466-5C>T (NM_001142805.2); c.1151-5C>T (NM_001142806.1).
Identifiers: ClinVar variation 383235 (VCV000383235.20), dbSNP rs200695210, ClinGen allele CA10549548.
Genomic context (GRCh38, chrX:153,694,528, plus strand): 5'-GGCTGGGGGATGGTGGCGGGGAAGGCAGGTCTCCAGCTTGGCCCTCCCGCCTCACCTCGC[C>T]GCAGGAGCTGACCGCTTCATGGACGACATTGCCTGTATGATCGGGTACCGACCTTGCCCC-3'